The following is an entry in ClinVar:

NM_003243.5(TGFBR3):c.2368A>T (p.Ile790Phe)

Gene: TGFBR3 (transforming growth factor beta receptor 3; minus strand). Cytogenetic location: 1p22.1.
Variant type: single nucleotide variant.
Coding change: c.2368A>T on transcript NM_003243.5 (MANE Select); coding-DNA position 2368, A replaced by T.
Protein change: p.Ile790Phe; replaces isoleucine 790 with phenylalanine.
Molecular consequence: missense variant. On other transcripts: non-coding transcript variant (1).
Genome position (GRCh38, 1-based): chr1:91,695,741, T>A on the plus strand (A>T on the coding strand, the complement: TGFBR3 is on the minus strand). VCF-style: chr1-91695741-T-A. GRCh37 (hg19) VCF-style: chr1-92161298-T-A.
Other names: NC_000001.10:g.92161298T>A; c.2365A>T, p.Ile789Phe (NM_001195683.2, NM_001195684.1); short protein forms I789F, I790F.
Identifiers: ClinVar variation 3050337 (VCV003050337.3), dbSNP rs137909765, ClinGen allele CA947542.

ClinVar aggregate classification (germline): Likely benign (0 of 4 stars; one submission).

Conditions:
TGFBR3-related disorder. Also called: TGFBR3-related condition.

Allele frequency attached by ClinVar (database versions not stated): gnomAD 0.00078; TOPMed 0.00082; ESP Exome Variant Server 0.00092; ExAC 0.00117; gnomAD exomes 0.00134.
gnomAD v4.1: 2,048 of 1,614,040 alleles (0.13%); highest among the groups gnomAD compares: Non-Finnish European, 0.17%; 5 homozygotes.

Submissions (4):

PreventionGenetics, part of Exact Sciences
Classification: Likely benign for TGFBR3-related condition. Last evaluated: 2022-02-23. Review status: no assertion criteria provided. Collection method: clinical testing. Allele origin: germline.
Comment: This variant is classified as likely benign based on ACMG/AMP sequence variant interpretation guidelines (Richards et al. 2015 PMID: 25741868, with internal and published modifications).

Dr. Peter K. Rogan Lab, Western University
No classification provided (evidence only). Condition: Nonpapillary renal cell carcinoma. Review status: no classification provided. Collection method: in vitro. Allele origin: not applicable. Functional consequence: retained intron. Not counted in ClinVar's aggregate classification.

Dr. Peter K. Rogan Lab, Western University
No classification provided (evidence only). Condition: Cholangiocarcinoma. Review status: no classification provided. Collection method: in vitro. Allele origin: not applicable. Functional consequence: retained intron. Not counted in ClinVar's aggregate classification.

Dr. Peter K. Rogan Lab, Western University
No classification provided (evidence only). Condition: Gastric cancer. Review status: no classification provided. Collection method: in vitro. Allele origin: not applicable. Functional consequence: retained intron. Not counted in ClinVar's aggregate classification.